The following is an entry in ClinVar:

ClinVar aggregate classification (germline): Uncertain significance. Review status: criteria provided, multiple submitters, no conflicts (2 of 4 stars). 2 submissions from 2 submitters: Uncertain significance (2). Last evaluated 2024-05-31.

Conditions:
Hereditary cancer-predisposing syndrome. Also called: Neoplastic Syndromes, Hereditary; Tumor predisposition; Hereditary Cancer Syndrome; Hereditary neoplastic syndrome. Identifiers: Orphanet 140162, MedGen C0027672, MeSH D009386, MONDO:0015356.
Renal cell carcinoma. Identifiers: Orphanet 217071, MedGen C0007134, MeSH D002292, MONDO:0005086, HP:0005584.

gnomAD v4.1: 1 of 1,612,350 alleles (0.000062%); highest among the groups gnomAD compares: East Asian, 0.0022%; no homozygotes.

Submissions (2):

Labcorp Genetics (formerly Invitae), Labcorp
Classification: Uncertain significance for Renal cell carcinoma. Last evaluated: 2024-05-31. Review status: criteria provided, single submitter. Criteria: Invitae Variant Classification Sherloc (09022015). Collection method: clinical testing. Allele origin: germline.
Comment: This sequence change replaces isoleucine, which is neutral and non-polar, with valine, which is neutral and non-polar, at codon 560 of the MET protein (p.Ile560Val). This variant is not present in population databases (gnomAD no frequency). This variant has not been reported in the literature in individuals affected with MET-related conditions. ClinVar contains an entry for this variant (Variation ID: 819767). Advanced modeling of protein sequence and biophysical properties (such as structural, functional, and spatial information, amino acid conservation, physicochemical variation, residue mobility, and thermodynamic stability) performed at Invitae indicates that this missense variant is not expected to disrupt MET protein function with a negative predictive value of 80%. In summary, the available evidence is currently insufficient to determine the role of this variant in disease. Therefore, it has been classified as a Variant of Uncertain Significance.

Ambry Genetics
Classification: Uncertain significance for Hereditary cancer-predisposing syndrome. Last evaluated: 2024-04-12. Review status: criteria provided, single submitter. Criteria: Ambry Variant Classification Scheme 2023. Collection method: clinical testing. Allele origin: germline.
Comment: The p.I560V variant (also known as c.1678A>G), located in coding exon 4 of the MET gene, results from an A to G substitution at nucleotide position 1678. The isoleucine at codon 560 is replaced by valine, an amino acid with highly similar properties. This amino acid position is poorly conserved in available vertebrate species. In addition, this alteration is predicted to be tolerated by in silico analysis. Based on the available evidence, the clinical significance of this variant remains unclear.

NM_000245.4(MET):c.1678A>G (p.Ile560Val)

Gene: MET (MET proto-oncogene, receptor tyrosine kinase; plus strand). Cytogenetic location: 7q31.2.
Variant type: single nucleotide variant.
Coding change: c.1678A>G on transcript NM_000245.4 (MANE Select); coding-DNA position 1678, A replaced by G.
Protein change: p.Ile560Val; replaces isoleucine 560 with valine.
Molecular consequence: missense variant.
Genome position (GRCh38, 1-based): chr7:116,741,002, A>G. VCF-style: chr7-116741002-A-G. GRCh37 (hg19) VCF-style: chr7-116381056-A-G.
Other names: c.1678A>G, p.Ile560Val (NM_001127500.3, NM_001324401.3); c.388A>G, p.Ile130Val (NM_001324402.2); short protein forms I130V, I560V.
Identifiers: ClinVar variation 819767 (VCV000819767.15), dbSNP rs1351634349, ClinGen allele CA368975813.